The following is an entry in ClinVar:

NM_021973.3(HAND2):c.390C>A (p.Pro130=)

Genes: HAND2 (heart and neural crest derivatives expressed 2; minus strand), HAND2-AS1 (HAND2 antisense RNA 1; plus strand). Cytogenetic location: 4q34.1.
Variant type: single nucleotide variant.
Coding change: c.390C>A on transcript NM_021973.3 (MANE Select); coding-DNA position 390, C replaced by A.
Protein change: p.Pro130=; no amino-acid change (proline 130 retained).
Molecular consequence: synonymous variant.
Genome position (GRCh38, 1-based): chr4:173,528,900, G>T on the plus strand (C>A on the coding strand, the complement: HAND2 is on the minus strand). VCF-style: chr4-173528900-G-T. GRCh37 (hg19) VCF-style: chr4-174450051-G-T.
Identifiers: ClinVar variation 139597 (VCV000139597.2), dbSNP rs483353128, ClinGen allele CA232593.

ClinVar aggregate classification (germline): Likely pathogenic (0 of 4 stars; one submission).

Submission:

Dept of Molecular Genetics and Enzymology, National Research Centre
Classification: Likely pathogenic. Review status: no assertion criteria provided. Collection method: not provided. Allele origin: unknown.
Comment: CHD with A-V canal
ClinVar note: Converted during submission from probable-pathogenic to Likely pathogenic.